The following is an entry in ClinVar:

ClinVar aggregate classification (germline): Uncertain significance. Review status: criteria provided, multiple submitters, no conflicts (2 of 4 stars). 4 submissions from 4 submitters: Uncertain significance (4). Last evaluated 2022-08-06.

Conditions:
Inborn genetic diseases. Identifiers: MedGen C0950123, MeSH D030342.
Spastic ataxia 2. Also called: Ataxia, spastic, 2, autosomal recessive. Identifiers: Orphanet 397946, MedGen C1969796, MONDO:0012651, OMIM 611302.

gnomAD v4.1: 22 of 1,613,952 alleles (0.0014%); highest among the groups gnomAD compares: Middle Eastern, 0.033%; no homozygotes.

Submissions (4):

Labcorp Genetics (formerly Invitae), Labcorp
Classification: Uncertain significance for Spastic ataxia 2. Last evaluated: 2022-08-06. Review status: criteria provided, single submitter. Criteria: Invitae Variant Classification Sherloc (09022015). Collection method: clinical testing. Allele origin: germline.
Comment: This variant has not been reported in the literature in individuals affected with KIF1C-related conditions. This sequence change replaces threonine, which is neutral and polar, with isoleucine, which is neutral and non-polar, at codon 51 of the KIF1C protein (p.Thr51Ile). The frequency data for this variant in the population databases is considered unreliable, as metrics indicate poor data quality at this position in the gnomAD database. ClinVar contains an entry for this variant (Variation ID: 1305488). Algorithms developed to predict the effect of missense changes on protein structure and function are either unavailable or do not agree on the potential impact of this missense change (SIFT: "Deleterious"; PolyPhen-2: "Possibly Damaging"; Align-GVGD: "Class C0"). In summary, the available evidence is currently insufficient to determine the role of this variant in disease. Therefore, it has been classified as a Variant of Uncertain Significance.

Ambry Genetics
Classification: Uncertain significance for Inborn genetic diseases. Last evaluated: 2022-06-03. Review status: criteria provided, single submitter. Criteria: Ambry Variant Classification Scheme 2023. Collection method: clinical testing. Allele origin: germline.

GeneDx
Classification: Uncertain significance. Last evaluated: 2019-04-24. Review status: criteria provided, single submitter. Criteria: GeneDx Variant Classification Process June 2021. Collection method: clinical testing. Allele origin: germline. Affected: yes.
Comment: Not observed at a significant frequency in large population cohorts; In silico analysis, which includes protein predictors and evolutionary conservation, supports a deleterious effect; Has not been previously published as pathogenic or benign to our knowledge

Breakthrough Genomics
Classification: Uncertain significance. Review status: criteria provided, single submitter. Criteria: ACMG Guidelines, 2015. Collection method: not provided. Allele origin: germline. Inheritance: Autosomal recessive inheritance. Affected: yes.

NM_006612.6(KIF1C):c.152C>T (p.Thr51Ile)

Gene: KIF1C (kinesin family member 1C; plus strand). Cytogenetic location: 17p13.2.
Variant type: single nucleotide variant.
Coding change: c.152C>T on transcript NM_006612.6 (MANE Select); coding-DNA position 152, C replaced by T.
Protein change: p.Thr51Ile; replaces threonine 51 with isoleucine.
Molecular consequence: missense variant.
Genome position (GRCh38, 1-based): chr17:5,000,817, C>T. VCF-style: chr17-5000817-C-T. GRCh37 (hg19) VCF-style: chr17-4904112-C-T.
Other names: short protein forms T51I.
Identifiers: ClinVar variation 1305488 (VCV001305488.10), dbSNP rs771071450, ClinGen allele CA8318456.